The following is an entry in ClinVar:

ClinVar aggregate classification (germline): Uncertain significance. Review status: criteria provided, multiple submitters, no conflicts (2 of 4 stars). 2 submissions from 2 submitters: Uncertain significance (2). Last evaluated 2025-09-08.

Conditions:
Inborn genetic diseases. Identifiers: MedGen C0950123, MeSH D030342.

Allele frequency attached by ClinVar (database versions not stated): TOPMed below 0.00001; gnomAD exomes 0.00001; ExAC 0.00002.
gnomAD v4.1: 11 of 1,612,478 alleles (0.00068%); highest among the groups gnomAD compares: South Asian, 0.0055%; no homozygotes.

Submissions (2):

Labcorp Genetics (formerly Invitae), Labcorp
Classification: Uncertain significance. Last evaluated: 2025-09-08. Review status: criteria provided, single submitter. Criteria: Invitae Variant Classification Sherloc (09022015). Collection method: clinical testing. Allele origin: germline.
Comment: This sequence change replaces arginine, which is basic and polar, with histidine, which is basic and polar, at codon 1671 of the NALCN protein (p.Arg1671His). This variant is present in population databases (rs747694503, gnomAD 0.01%). This variant has not been reported in the literature in individuals affected with NALCN-related conditions. ClinVar contains an entry for this variant (Variation ID: 2313841). Invitae Evidence Modeling of protein sequence and biophysical properties (such as structural, functional, and spatial information, amino acid conservation, physicochemical variation, residue mobility, and thermodynamic stability) indicates that this missense variant is not expected to disrupt NALCN protein function with a negative predictive value of 95%. In summary, the available evidence is currently insufficient to determine the role of this variant in disease. Therefore, it has been classified as a Variant of Uncertain Significance.

Ambry Genetics
Classification: Uncertain significance for Inborn genetic diseases. Last evaluated: 2022-09-27. Review status: criteria provided, single submitter. Criteria: Ambry Variant Classification Scheme 2023. Collection method: clinical testing. Allele origin: germline.

NM_052867.4(NALCN):c.5012G>A (p.Arg1671His)

Genes: NALCN (sodium leak channel, non-selective; minus strand), NALCN-AS1 (NALCN antisense RNA 1; plus strand). Cytogenetic location: 13q32.3.
Variant type: single nucleotide variant.
Coding change: c.5012G>A on transcript NM_052867.4 (MANE Select); coding-DNA position 5012, G replaced by A.
Protein change: p.Arg1671His; replaces arginine 1671 with histidine.
Molecular consequence: missense variant. On other transcripts: non-coding transcript variant (1).
Genome position (GRCh38, 1-based): chr13:101,057,950, C>T on the plus strand (G>A on the coding strand, the complement: NALCN is on the minus strand). VCF-style: chr13-101057950-C-T. GRCh37 (hg19) VCF-style: chr13-101710302-C-T.
Other names: c.5099G>A, p.Arg1700His (NM_001350748.2); c.5012G>A, p.Arg1671His (NM_001350749.2); c.4925G>A, p.Arg1642His (NM_001350750.2, NM_001350751.2); short protein forms R1671H, R1700H, R1642H.
Identifiers: ClinVar variation 2313841 (VCV002313841.3), dbSNP rs747694503, ClinGen allele CA7034950.
Genomic context (GRCh38, chr13:101,057,950, plus strand): 5'-ATACCTTTAAAATGCCTCGATCGCTGGAGAAATGCCTGGATGGACCTACCTGAGGGCAGA[C>T]GCCACTGCCCAAATTTCCTCTGGGGTTTCCCTGCGTCGGCTGCATCTTGCCGACTTCCTC-3'
Protein context (NP_443099.1, residues 1661-1681): GKPQRKFGQW[Arg1671His]LPSAPKPISH